The following is an entry in ClinVar:

NM_001104631.2(PDE4D):c.983A>C (p.Gln328Pro)

Gene: PDE4D (phosphodiesterase 4D; minus strand). Cytogenetic location: 5q11.2.
Variant type: single nucleotide variant.
Coding change: c.983A>C on transcript NM_001104631.2 (MANE Select); coding-DNA position 983, A replaced by C.
Protein change: p.Gln328Pro; replaces glutamine 328 with proline.
Molecular consequence: missense variant.
Genome position (GRCh38, 1-based): chr5:58,993,404, T>G on the plus strand (A>C on the coding strand, the complement: PDE4D is on the minus strand). VCF-style: chr5-58993404-T-G. GRCh37 (hg19) VCF-style: chr5-58289231-T-G.
Other names: c.800A>C, p.Gln267Pro (NM_001165899.2, NM_001364599.1); c.791A>C, p.Gln264Pro (NM_001197218.2); c.617A>C, p.Gln206Pro (NM_001197219.2); c.593A>C, p.Gln198Pro (NM_001197220.2); c.77A>C, p.Gln26Pro (NM_001197221.2, NM_001364603.1); c.311A>C, p.Gln104Pro (NM_001197222.2); c.110A>C, p.Gln37Pro (NM_001197223.2); c.770A>C, p.Gln257Pro (NM_001349241.2); and 3 more; short protein forms Q104P, Q192P, Q198P, Q206P, Q218P, Q257P, Q264P, Q267P.
Identifiers: ClinVar variation 3381228 (VCV003381228.2).

ClinVar aggregate classification (germline): Uncertain significance (1 of 4 stars; one submission).

Conditions:
Acrodysostosis 2 with or without hormone resistance. Also called: ACRODYSOSTOSIS 2 WITH HORMONE RESISTANCE; ACRODYSOSTOSIS 2 WITHOUT HORMONE RESISTANCE. Identifiers: Orphanet 280651, MedGen C3553250, MONDO:0013822, OMIM 614613.

Submission:

Servicio de Genética Del Instituto Nacional de Salud Del Niño, Ministerio de Salud
Classification: Uncertain significance for Acrodysostosis 2 with or without hormone resistance. Last evaluated: 2024-11-18. Review status: criteria provided, single submitter. Criteria: ACMG Guidelines, 2015. Collection method: clinical testing. Allele origin: germline. Inheritance: Autosomal dominant inheritance.
Comment: The variant NM_001104631.2:c.983A>C (p.Gln328Pro) results in a missense mutation where glutamine at position 328 is replaced by proline. This substitution may impact the protein's structure and function, but the exact consequences are not well characterized. Based on ACMG/AMP guidelines, the variant meets the criteria for PM2 (low frequency in population databases), PP3 (computational evidence suggesting a potential impact on protein function), and PP2 (conservation of the affected amino acid across species). However, the available evidence is insufficient to classify this variant as either pathogenic or benign, so it remains classified as uncertain significance